The following is an entry in ClinVar:

ClinVar aggregate classification (germline): Uncertain significance (1 of 4 stars; one submission).

Conditions:
Netherton syndrome (NETH). Also called: ERYTHRODERMA, ICHTHYOSIFORM, WITH HYPOTRICHOSIS AND HYPER-IgE; COMEL-NETHERTON SYNDROME; NETHERTON DISEASE. Identifiers: Orphanet 634, MedGen C5574950, MONDO:0009735, OMIM 256500.

Allele frequency attached by ClinVar (database versions not stated): gnomAD 0.00001; TOPMed 0.00001; gnomAD exomes 0.00003 and 0.00004; ExAC 0.00004; ESP Exome Variant Server 0.00008.
gnomAD v4.1: 61 of 1,612,696 alleles (0.0038%); highest among the groups gnomAD compares: Non-Finnish European, 0.0049%; no homozygotes.

Submission:

Labcorp Genetics (formerly Invitae), Labcorp
Classification: Uncertain significance for Ichthyosis linearis circumflexa. Last evaluated: 2021-09-01. Review status: criteria provided, single submitter. Criteria: Invitae Variant Classification Sherloc (09022015). Collection method: clinical testing. Allele origin: germline.
Comment: This sequence change replaces aspartic acid with tyrosine at codon 47 of the SPINK5 protein (p.Asp47Tyr). The aspartic acid residue is moderately conserved and there is a large physicochemical difference between aspartic acid and tyrosine. This variant is present in population databases (rs199620733, ExAC 0.008%). This variant has not been reported in the literature in individuals affected with SPINK5-related conditions. Algorithms developed to predict the effect of missense changes on protein structure and function are either unavailable or do not agree on the potential impact of this missense change (SIFT: "Deleterious"; PolyPhen-2: "Possibly Damaging"; Align-GVGD: "Class C0"). In summary, the available evidence is currently insufficient to determine the role of this variant in disease. Therefore, it has been classified as a Variant of Uncertain Significance.

NM_006846.4(SPINK5):c.139G>T (p.Asp47Tyr)

Gene: SPINK5 (serine peptidase inhibitor Kazal type 5; plus strand). Cytogenetic location: 5q32.
Variant type: single nucleotide variant.
Coding change: c.139G>T on transcript NM_006846.4 (MANE Select); coding-DNA position 139, G replaced by T.
Protein change: p.Asp47Tyr; replaces aspartic acid 47 with tyrosine.
Molecular consequence: missense variant.
Genome position (GRCh38, 1-based): chr5:148,070,380, G>T. VCF-style: chr5-148070380-G-T. GRCh37 (hg19) VCF-style: chr5-147449943-G-T.
Other names: c.139G>T, p.Asp47Tyr (NM_001127698.2, NM_001127699.2); short protein forms D47Y.
Identifiers: ClinVar variation 661788 (VCV000661788.6), dbSNP rs199620733, ClinGen allele CA3495116.